The following is an entry in ClinVar:

ClinVar aggregate classification (germline): Uncertain significance (1 of 4 stars; one submission).

Submission:

GeneDx
Classification: Uncertain significance. Last evaluated: 2024-01-26. Review status: criteria provided, single submitter. Criteria: GeneDx Variant Classification Process June 2021. Collection method: clinical testing. Allele origin: germline. Affected: yes.
Comment: In silico analysis supports that this missense variant has a deleterious effect on protein structure/function; Variants in candidate genes are classified as variants of uncertain significance in accordance with ACMG guidelines (PMID: 25741868); Has not been previously published as pathogenic or benign to our knowledge

NM_002577.4(PAK2):c.1217C>T (p.Thr406Met)

Gene: PAK2 (p21 (RAC1) activated kinase 2; plus strand). Cytogenetic location: 3q29.
Variant type: single nucleotide variant.
Coding change: c.1217C>T on transcript NM_002577.4 (MANE Select); coding-DNA position 1217, C replaced by T.
Protein change: p.Thr406Met; replaces threonine 406 with methionine.
Molecular consequence: missense variant.
Genome position (GRCh38, 1-based): chr3:196,820,434, C>T. VCF-style: chr3-196820434-C-T. GRCh37 (hg19) VCF-style: chr3-196547305-C-T.
Other names: short protein forms T406M.
Identifiers: ClinVar variation 2920659 (VCV002920659.1).
Genomic context (GRCh38, chr3:196,820,434, plus strand): 5'-ACTTTGGTTTCTGTGCCCAGATCACCCCTGAGCAGAGCAAACGCAGTACCATGGTCGGAA[C>T]GCCATACTGGATGGCACCAGAGGTGGTTACACGGAAAGCTTATGGCCCTAAAGTCGACAT-3'
Protein context (NP_002568.2, residues 396-416): EQSKRSTMVG[Thr406Met]PYWMAPEVVT